The following is an entry in ClinVar:

ClinVar aggregate classification (germline): Uncertain significance (1 of 4 stars; one submission).

gnomAD v4.1: 88 of 1,613,760 alleles (0.0055%); highest among the groups gnomAD compares: Non-Finnish European, 0.0071%; no homozygotes.

Submission:

Labcorp Genetics (formerly Invitae), Labcorp
Classification: Uncertain significance. Last evaluated: 2025-02-23. Review status: criteria provided, single submitter. Criteria: Invitae Variant Classification Sherloc (09022015). Collection method: clinical testing. Allele origin: germline.
Comment: This sequence change falls in intron 18 of the CDAN1 gene. It does not directly change the encoded amino acid sequence of the CDAN1 protein. It affects a nucleotide within the consensus splice site. This variant is present in population databases (rs201401533, gnomAD 0.002%). This variant has not been reported in the literature in individuals affected with CDAN1-related conditions. Variants that disrupt the consensus splice site are a relatively common cause of aberrant splicing (PMID: 17576681, 9536098). Algorithms developed to predict the effect of sequence changes on RNA splicing suggest that this variant is not likely to affect RNA splicing. In summary, the available evidence is currently insufficient to determine the role of this variant in disease. Therefore, it has been classified as a Variant of Uncertain Significance.

Literature cited by the submitters: PubMed 17576681; PubMed 9536098.

NM_138477.4(CDAN1):c.2542-3C>A

Gene: CDAN1 (codanin 1; minus strand). Cytogenetic location: 15q15.2.
Variant type: single nucleotide variant.
Coding change: c.2542-3C>A on transcript NM_138477.4 (MANE Select); 3 bases into the intron before coding-DNA position 2542, C replaced by A.
Molecular consequence: intron variant.
Genome position (GRCh38, 1-based): chr15:42,729,129, G>T on the plus strand (C>A on the coding strand, the complement: CDAN1 is on the minus strand). VCF-style: chr15-42729129-G-T. GRCh37 (hg19) VCF-style: chr15-43021327-G-T.
Identifiers: ClinVar variation 4690484 (VCV004690484.1).